The following is an entry in ClinVar:

ClinVar aggregate classification (germline): Uncertain significance (1 of 4 stars; one submission).

Conditions:
Intellectual developmental disorder with hypotonia, impaired speech, and dysmorphic facies (IDDHISD). Identifiers: MedGen C5561997, MONDO:0859197, OMIM 619556.

gnomAD v4.1: 1 of 1,613,864 alleles (0.000062%); highest among the groups gnomAD compares: Non-Finnish European, 0.000085%; no homozygotes.

Submission:

Juno Genomics, Hangzhou Juno Genomics, Inc
Classification: Uncertain significance for Intellectual developmental disorder with hypotonia, impaired speech, and dysmorphic facies. Review status: criteria provided, single submitter. Criteria: ACMG Guidelines, 2015. Collection method: clinical testing. Allele origin: germline.
Comment: Missense variant in a gene that has a low rate of benign missense variation.;Multiple lines of computational evidence support a deleterious effect on the gene or gene product.;Absent from controls (or at extremely low frequency if recessive) in Genome Aggregation Database.

NM_001382241.1(TNPO2):c.1381C>T (p.Arg461Cys)

Gene: TNPO2 (transportin 2; minus strand). Cytogenetic location: 19p13.13.
Variant type: single nucleotide variant.
Coding change: c.1381C>T on transcript NM_001382241.1 (MANE Select); coding-DNA position 1381, C replaced by T.
Protein change: p.Arg461Cys; replaces arginine 461 with cysteine.
Molecular consequence: missense variant. On other transcripts: non-coding transcript variant (6).
Genome position (GRCh38, 1-based): chr19:12,706,685, G>A on the plus strand (C>T on the coding strand, the complement: TNPO2 is on the minus strand). VCF-style: chr19-12706685-G-A. GRCh37 (hg19) VCF-style: chr19-12817499-G-A.
Other names: c.1381C>T, p.Arg461Cys (NM_001382239.1, NM_001382240.1, NM_001382242.1 and 7 more transcripts); short protein forms R461C.
Identifiers: ClinVar variation 5005926 (VCV005005926.2).